The following is an entry in ClinVar:

ClinVar aggregate classification (germline): Conflicting classifications of pathogenicity. Review status: criteria provided, conflicting classifications (1 of 4 stars). 2 submissions from 2 submitters: Uncertain significance (1); Likely benign (1). Last evaluated 2024-12-25.

Conditions:
Inborn genetic diseases. Identifiers: MedGen C0950123, MeSH D030342.

gnomAD v4.1: 13 of 1,614,080 alleles (0.00081%); highest among the groups gnomAD compares: Non-Finnish European, 0.0011%; no homozygotes.

Submissions (2):

Ambry Genetics
Classification: Likely benign for Inborn genetic diseases. Last evaluated: 2024-12-25. Review status: criteria provided, single submitter. Criteria: Ambry Variant Classification Scheme 2023. Collection method: clinical testing. Allele origin: germline.

Labcorp Genetics (formerly Invitae), Labcorp
Classification: Uncertain significance. Last evaluated: 2023-06-22. Review status: criteria provided, single submitter. Criteria: Invitae Variant Classification Sherloc (09022015). Collection method: clinical testing. Allele origin: germline.
Comment: This sequence change replaces alanine, which is neutral and non-polar, with proline, which is neutral and non-polar, at codon 1562 of the COL7A1 protein (p.Ala1562Pro). This variant is present in population databases (rs143352280, gnomAD 0.002%). This variant has not been reported in the literature in individuals affected with COL7A1-related conditions. Advanced modeling of protein sequence and biophysical properties (such as structural, functional, and spatial information, amino acid conservation, physicochemical variation, residue mobility, and thermodynamic stability) performed at Invitae indicates that this missense variant is not expected to disrupt COL7A1 protein function. In summary, the available evidence is currently insufficient to determine the role of this variant in disease. Therefore, it has been classified as a Variant of Uncertain Significance.

NM_000094.4(COL7A1):c.4684G>C (p.Ala1562Pro)

Gene: COL7A1 (collagen type VII alpha 1 chain; minus strand). Cytogenetic location: 3p21.31.
Variant type: single nucleotide variant.
Coding change: c.4684G>C on transcript NM_000094.4 (MANE Select); coding-DNA position 4684, G replaced by C.
Protein change: p.Ala1562Pro; replaces alanine 1562 with proline.
Molecular consequence: missense variant.
Genome position (GRCh38, 1-based): chr3:48,581,744, C>G on the plus strand (G>C on the coding strand, the complement: COL7A1 is on the minus strand). VCF-style: chr3-48581744-C-G. GRCh37 (hg19) VCF-style: chr3-48619177-C-G.
Other names: short protein forms A1562P.
Identifiers: ClinVar variation 2740962 (VCV002740962.4), dbSNP rs143352280, ClinGen allele CA2379892.